The following is an entry in ClinVar:

NM_001814.6(CTSC):c.1319G>A (p.Arg440Gln)

Gene: CTSC (cathepsin C; minus strand). Cytogenetic location: 11q14.2.
Variant type: single nucleotide variant.
Coding change: c.1319G>A on transcript NM_001814.6 (MANE Select); coding-DNA position 1319, G replaced by A.
Protein change: p.Arg440Gln; replaces arginine 440 with glutamine.
Molecular consequence: missense variant.
Genome position (GRCh38, 1-based): chr11:88,294,079, C>T on the plus strand (G>A on the coding strand, the complement: CTSC is on the minus strand). VCF-style: chr11-88294079-C-T. GRCh37 (hg19) VCF-style: chr11-88027247-C-T.
Other names: short protein forms R440Q.
Identifiers: ClinVar variation 2169560 (VCV002169560.2), dbSNP rs140086884, ClinGen allele CA6219729.

ClinVar aggregate classification (germline): Uncertain significance (1 of 4 stars; one submission).

Conditions:
Periodontitis, aggressive. Identifiers: MedGen C0031106, MONDO:0980757.
Papillon-Lefèvre syndrome (PALS). Also called: KERATOSIS PALMOPLANTARIS WITH PERIODONTOPATHIA; Papillon-Lefevre Disease. Identifiers: Orphanet 678, MedGen C0030360, MONDO:0009490, OMIM 245000.
Haim-Munk syndrome (HMS). Also called: COCHIN JEWISH DISORDER; KERATOSIS PALMOPLANTARIS WITH PERIODONTOPATHIA AND ONYCHOGRYPOSIS. Identifiers: Orphanet 2342, MedGen C1855627, MONDO:0009491, OMIM 245010.

Allele frequency attached by ClinVar (database versions not stated): TOPMed 0.00001; gnomAD 0.00003; gnomAD exomes 0.00003; ExAC 0.00008; 1000 Genomes Project 30x 0.00016; 1000 Genomes Project 0.00020.
gnomAD v4.1: 55 of 1,613,966 alleles (0.0034%); highest among the groups gnomAD compares: Middle Eastern, 0.049%; no homozygotes.

Submission:

Labcorp Genetics (formerly Invitae), Labcorp
Classification: Uncertain significance for Haim-Munk syndrome; Periodontitis, aggressive; Papillon-Lefèvre syndrome. Last evaluated: 2024-03-11. Review status: criteria provided, single submitter. Criteria: Invitae Variant Classification Sherloc (09022015). Collection method: clinical testing. Allele origin: germline.
Comment: This sequence change replaces arginine, which is basic and polar, with glutamine, which is neutral and polar, at codon 440 of the CTSC protein (p.Arg440Gln). This variant is present in population databases (rs140086884, gnomAD 0.009%). This missense change has been observed in individual(s) with clinical features of lysosomal storage diseases (PMID: 30548430). ClinVar contains an entry for this variant (Variation ID: 2169560). Advanced modeling of protein sequence and biophysical properties (such as structural, functional, and spatial information, amino acid conservation, physicochemical variation, residue mobility, and thermodynamic stability) performed at Invitae indicates that this missense variant is expected to disrupt CTSC protein function with a positive predictive value of 80%. In summary, the available evidence is currently insufficient to determine the role of this variant in disease. Therefore, it has been classified as a Variant of Uncertain Significance.

Literature cited by the submitters: PubMed 30548430.